The following is an entry in ClinVar:

ClinVar aggregate classification (germline): Uncertain significance. Review status: criteria provided, multiple submitters, no conflicts (2 of 4 stars). 2 submissions from 2 submitters: Uncertain significance (2). Last evaluated 2024-03-06.

Conditions:
Hereditary cancer-predisposing syndrome. Also called: Hereditary neoplastic syndrome; Neoplastic Syndromes, Hereditary; Hereditary Cancer Syndrome; Tumor predisposition. Identifiers: Orphanet 140162, MedGen C0027672, MeSH D009386, MONDO:0015356.
Familial adenomatous polyposis 1 (FAP1). Also called: FAMILIAL ADENOMATOUS POLYPOSIS 1, ATTENUATED; POLYPOSIS, ADENOMATOUS INTESTINAL. Identifiers: MedGen C2713442, MONDO:0021056, OMIM 175100. Disease mechanism: loss of function.

Submissions (2):

Color Diagnostics, LLC DBA Color Health
Classification: Uncertain significance for Hereditary cancer-predisposing syndrome. Last evaluated: 2024-03-06. Review status: criteria provided, single submitter. Criteria: ACMG Guidelines, 2015. Collection method: clinical testing. Allele origin: germline.
Comment: This missense variant replaces isoleucine with threonine at codon 2756 of the APC protein. Computational prediction suggests that this variant may not impact protein structure and function (internally defined REVEL score threshold <= 0.5, PMID: 27666373). To our knowledge, functional studies have not been reported for this variant. This variant has not been reported in individuals affected with APC-related disorders in the literature. This variant has not been identified in the general population by the Genome Aggregation Database (gnomAD). The available evidence is insufficient to determine the role of this variant in disease conclusively. Therefore, this variant is classified as a Variant of Uncertain Significance.

Labcorp Genetics (formerly Invitae), Labcorp
Classification: Uncertain significance for Familial adenomatous polyposis 1. Last evaluated: 2024-02-01. Review status: criteria provided, single submitter. Criteria: Invitae Variant Classification Sherloc (09022015). Collection method: clinical testing. Allele origin: germline.
Comment: This sequence change replaces isoleucine, which is neutral and non-polar, with threonine, which is neutral and polar, at codon 2756 of the APC protein (p.Ile2756Thr). This variant is not present in population databases (gnomAD no frequency). This variant has not been reported in the literature in individuals affected with APC-related conditions. ClinVar contains an entry for this variant (Variation ID: 1719463). Advanced modeling of protein sequence and biophysical properties (such as structural, functional, and spatial information, amino acid conservation, physicochemical variation, residue mobility, and thermodynamic stability) performed at Invitae indicates that this missense variant is not expected to disrupt APC protein function with a negative predictive value of 95%. In summary, the available evidence is currently insufficient to determine the role of this variant in disease. Therefore, it has been classified as a Variant of Uncertain Significance.

NM_000038.6(APC):c.8267T>C (p.Ile2756Thr)

Gene: APC (APC regulator of Wnt signaling pathway; plus strand). Cytogenetic location: 5q22.2.
Variant type: single nucleotide variant.
Coding change: c.8267T>C on transcript NM_000038.6 (MANE Select); coding-DNA position 8267, T replaced by C.
Protein change: p.Ile2756Thr; replaces isoleucine 2756 with threonine.
Molecular consequence: missense variant.
Genome position (GRCh38, 1-based): chr5:112,843,861, T>C. VCF-style: chr5-112843861-T-C. GRCh37 (hg19) VCF-style: chr5-112179558-T-C.
Other names: c.8267T>C, p.Ile2756Thr (NM_001127510.3, NM_001354895.2, NM_001407450.1); c.8213T>C, p.Ile2738Thr (NM_001127511.3); c.8321T>C, p.Ile2774Thr (NM_001354896.2, NM_001407447.1, NM_001407448.1 and 1 more transcripts); c.8297T>C, p.Ile2766Thr (NM_001354897.2); c.8192T>C, p.Ile2731Thr (NM_001354898.2); c.8183T>C, p.Ile2728Thr (NM_001354899.2); c.8144T>C, p.Ile2715Thr (NM_001354900.2); c.8090T>C, p.Ile2697Thr (NM_001354901.2, NM_001407453.1); and 11 more; short protein forms I2372T, I2473T, I2596T, I2627T, I2630T, I2655T, I2665T, I2673T.
Identifiers: ClinVar variation 1719463 (VCV001719463.7), dbSNP rs2150002203, ClinGen allele CA16039272.